The following is an entry in ClinVar:

ClinVar aggregate classification (germline): Pathogenic (1 of 4 stars; one submission).

Conditions:
Long QT syndrome (LQTS). Identifiers: MedGen C0023976, MeSH D008133, MONDO:0002442. Disease mechanism: loss of function. Inheritance: Various modes of inheritance.

Submission:

Labcorp Genetics (formerly Invitae), Labcorp
Classification: Pathogenic for Long QT syndrome. Last evaluated: 2015-02-18. Review status: criteria provided, single submitter. Criteria: Invitae Variant Classification Sherloc (09022015). Collection method: clinical testing. Allele origin: germline.
Comment: For these reasons, this variant has been classified as Pathogenic. While this particular variant has not been reported in the literature, truncating variants in KCNH2 are known to be pathogenic (PMID: 10973849, 17576861). This sequence change inserts 29 nucleotide in exon 4 of the KCNH2 mRNA (c.473_501dupGCCGCGCCAAGACCTTCCGCCTGAAGCTG), causing a frameshift at codon 168. This creates a premature translational stop signal (p.Pro168Alafs*8) and is expected to result in an absent or disrupted protein product.

Literature cited by the submitters: PubMed 10973849; PubMed 17576861.

NC_000007.14:g.150958475_150958503dup

Gene: KCNH2 (potassium voltage-gated channel subfamily H member 2; minus strand). Cytogenetic location: 7q36.1.
Variant type: Duplication.
Genome position: GRCh38 VCF-style: chr7-150958473-G-GCAGCTTCAGGCGGAAGGTCTTGGCGCGGC. GRCh37 (hg19) VCF-style: chr7-150655561-G-GCAGCTTCAGGCGGAAGGTCTTGGCGCGGC.
Other names: c.473_501dup (LRG_288t1).
Identifiers: ClinVar variation 216047 (VCV000216047.8), dbSNP rs863224478, ClinGen allele CA337890.